The following is an entry in ClinVar:

ClinVar aggregate classification (germline): Uncertain significance (1 of 4 stars; one submission).

gnomAD v4.1: 2 of 1,612,238 alleles (0.00012%); highest among the groups gnomAD compares: Non-Finnish European, 0.00017%; no homozygotes.

Submission:

Labcorp Genetics (formerly Invitae), Labcorp
Classification: Uncertain significance. Last evaluated: 2025-02-26. Review status: criteria provided, single submitter. Criteria: Invitae Variant Classification Sherloc (09022015). Collection method: clinical testing. Allele origin: germline.
Comment: This sequence change falls in intron 16 of the STT3A gene. It does not directly change the encoded amino acid sequence of the STT3A protein. It affects a nucleotide within the consensus splice site. This variant is not present in population databases (gnomAD no frequency). This variant has not been reported in the literature in individuals affected with STT3A-related conditions. Variants that disrupt the consensus splice site are a relatively common cause of aberrant splicing (PMID: 17576681, 9536098). Algorithms developed to predict the effect of sequence changes on RNA splicing suggest that this variant is not likely to affect RNA splicing. In summary, the available evidence is currently insufficient to determine the role of this variant in disease. Therefore, it has been classified as a Variant of Uncertain Significance.

Literature cited by the submitters: PubMed 17576681; PubMed 9536098.

NM_152713.5(STT3A):c.1774+6A>G

Gene: STT3A (STT3 oligosaccharyltransferase complex catalytic subunit A; plus strand). Cytogenetic location: 11q24.2.
Variant type: single nucleotide variant.
Coding change: c.1774+6A>G on transcript NM_152713.5 (MANE Select); 6 bases into the intron after coding-DNA position 1774, A replaced by G.
Molecular consequence: intron variant.
Genome position (GRCh38, 1-based): chr11:125,614,432, A>G. VCF-style: chr11-125614432-A-G. GRCh37 (hg19) VCF-style: chr11-125484327-A-G.
Other names: c.1774+6A>G (NM_001278503.2); c.1498+6A>G (NM_001278504.2).
Identifiers: ClinVar variation 4752391 (VCV004752391.1).